The following is an entry in ClinVar:

ClinVar aggregate classification (germline): Uncertain significance (1 of 4 stars; one submission).

Conditions:
Fibrous dysplasia of jaw (CRBM). Also called: Cherubism. Identifiers: Orphanet 184, MedGen C0008029, MONDO:0007315, OMIM 118400.

Allele frequency attached by ClinVar (database versions not stated): gnomAD exomes 0.00001.
gnomAD v4.1: 4 of 1,613,660 alleles (0.00025%); highest among the groups gnomAD compares: Non-Finnish European, 0.00034%; no homozygotes.

Submission:

Labcorp Genetics (formerly Invitae), Labcorp
Classification: Uncertain significance for Fibrous dysplasia of jaw. Last evaluated: 2020-12-10. Review status: criteria provided, single submitter. Criteria: Invitae Variant Classification Sherloc (09022015). Collection method: clinical testing. Allele origin: germline.
Comment: This sequence change replaces serine with phenylalanine at codon 74 of the SH3BP2 protein (p.Ser74Phe). The serine residue is highly conserved and there is a large physicochemical difference between serine and phenylalanine. This variant is not present in population databases (ExAC no frequency). In summary, the available evidence is currently insufficient to determine the role of this variant in disease. Therefore, it has been classified as a Variant of Uncertain Significance. Algorithms developed to predict the effect of missense changes on protein structure and function (SIFT, PolyPhen-2, Align-GVGD) all suggest that this variant is likely to be disruptive, but these predictions have not been confirmed by published functional studies and their clinical significance is uncertain. This variant has not been reported in the literature in individuals with SH3BP2-related conditions.

NM_001122681.2(SH3BP2):c.221C>T (p.Ser74Phe)

Gene: SH3BP2 (SH3 domain binding protein 2; plus strand). Cytogenetic location: 4p16.3.
Variant type: single nucleotide variant.
Coding change: c.221C>T on transcript NM_001122681.2 (MANE Select); coding-DNA position 221, C replaced by T.
Protein change: p.Ser74Phe; replaces serine 74 with phenylalanine.
Molecular consequence: missense variant.
Genome position (GRCh38, 1-based): chr4:2,823,019, C>T. VCF-style: chr4-2823019-C-T. GRCh37 (hg19) VCF-style: chr4-2824746-C-T.
Other names: c.305C>T, p.Ser102Phe (NM_001145855.2); c.392C>T, p.Ser131Phe (NM_001145856.2); c.221C>T, p.Ser74Phe (NM_003023.4); short protein forms S102F, S131F, S74F.
Identifiers: ClinVar variation 1502369 (VCV001502369.8), dbSNP rs532591178, ClinGen allele CA91404381.